The following is an entry in ClinVar:

ClinVar aggregate classification (germline): Uncertain significance (1 of 4 stars; one submission).

Allele frequency attached by ClinVar (database versions not stated): ExAC 0.00002; gnomAD 0.00001; gnomAD exomes 0.00001; TOPMed 0.00002.
gnomAD v4.1: 23 of 1,613,386 alleles (0.0014%); highest among the groups gnomAD compares: Non-Finnish European, 0.0018%; no homozygotes.

Submission:

Labcorp Genetics (formerly Invitae), Labcorp
Classification: Uncertain significance. Last evaluated: 2025-10-17. Review status: criteria provided, single submitter. Criteria: Invitae Variant Classification Sherloc (09022015). Collection method: clinical testing. Allele origin: germline.
Comment: This sequence change replaces arginine, which is basic and polar, with glutamine, which is neutral and polar, at codon 687 of the CLCN6 protein (p.Arg687Gln). This variant is present in population databases (rs747102721, gnomAD 0.004%). This variant has not been reported in the literature in individuals affected with CLCN6-related conditions. ClinVar contains an entry for this variant (Variation ID: 2890819). An algorithm developed to predict the effect of missense changes on protein structure and function (PolyPhen-2) suggests that this variant is likely to be tolerated. In summary, the available evidence is currently insufficient to determine the role of this variant in disease. Therefore, it has been classified as a Variant of Uncertain Significance.

NM_001286.5(CLCN6):c.2060G>A (p.Arg687Gln)

Gene: CLCN6 (Cl-/H+ antiporter 6; plus strand). Cytogenetic location: 1p36.22.
Variant type: single nucleotide variant.
Coding change: c.2060G>A on transcript NM_001286.5 (MANE Select); coding-DNA position 2060, G replaced by A.
Protein change: p.Arg687Gln; replaces arginine 687 with glutamine.
Molecular consequence: missense variant. On other transcripts: non-coding transcript variant (1).
Genome position (GRCh38, 1-based): chr1:11,837,078, G>A. VCF-style: chr1-11837078-G-A. GRCh37 (hg19) VCF-style: chr1-11897135-G-A.
Other names: c.1994G>A, p.Arg665Gln (NM_001256959.2); short protein forms R665Q, R687Q.
Identifiers: ClinVar variation 2890819 (VCV002890819.3), dbSNP rs747102721, ClinGen allele CA596705.